The following is an entry in ClinVar:

ClinVar aggregate classification (germline): Uncertain significance. Review status: criteria provided, multiple submitters, no conflicts (2 of 4 stars). 2 submissions from 2 submitters: Uncertain significance (2). Last evaluated 2026-06-18.

Conditions:
Aortic aneurysm, familial thoracic 4 (AAT4). Also called: AORTIC ANEURYSM/AORTIC DISSECTION AND PATENT DUCTUS ARTERIOSUS. Identifiers: MedGen C1851504, MONDO:0007568, OMIM 132900.
Familial thoracic aortic aneurysm and aortic dissection (TAAD). Also called: Thoracic aortic aneurysms and dissections. Identifiers: Orphanet 91387, MedGen C4707243, MONDO:0019625.

Allele frequency attached by ClinVar (database versions not stated): gnomAD 0.00001; 1000 Genomes Project 30x 0.00016; 1000 Genomes Project 0.00020; ExAC 0.00001.
gnomAD v4.1: 2 of 1,612,626 alleles (0.00012%); highest among the groups gnomAD compares: African/African-American, 0.0027%; no homozygotes.

Submissions (2):

Ambry Genetics
Classification: Uncertain significance for Familial thoracic aortic aneurysm and aortic dissection. Last evaluated: 2026-06-18. Review status: criteria provided, single submitter. Criteria: Ambry Variant Classification Scheme 2023. Collection method: clinical testing. Allele origin: germline.
Comment: The p.G1271A variant (also known as c.3812G>C), located in coding exon 27 of the MYH11 gene, results from a G to C substitution at nucleotide position 3812. The glycine at codon 1271 is replaced by alanine, an amino acid with similar properties. This amino acid position is conserved. In addition, this alteration is predicted to be tolerated by in silico analysis. Based on the available evidence, the clinical significance of this variant remains unclear.

Labcorp Genetics (formerly Invitae), Labcorp
Classification: Uncertain significance for Aortic aneurysm, familial thoracic 4. Last evaluated: 2023-03-29. Review status: criteria provided, single submitter. Criteria: Invitae Variant Classification Sherloc (09022015). Collection method: clinical testing. Allele origin: germline.
Comment: This sequence change replaces glycine, which is neutral and non-polar, with alanine, which is neutral and non-polar, at codon 1278 of the MYH11 protein (p.Gly1278Ala). This variant is present in population databases (rs568726096, gnomAD 0.01%). This variant has not been reported in the literature in individuals affected with MYH11-related conditions. Advanced modeling of protein sequence and biophysical properties (such as structural, functional, and spatial information, amino acid conservation, physicochemical variation, residue mobility, and thermodynamic stability) performed at Invitae indicates that this missense variant is not expected to disrupt MYH11 protein function. In summary, the available evidence is currently insufficient to determine the role of this variant in disease. Therefore, it has been classified as a Variant of Uncertain Significance.

NM_002474.3(MYH11):c.3812G>C (p.Gly1271Ala)

Gene: MYH11 (myosin heavy chain 11; minus strand). Cytogenetic location: 16p13.11.
Variant type: single nucleotide variant.
Coding change: c.3812G>C on transcript NM_002474.3 (MANE Select); coding-DNA position 3812, G replaced by C.
Protein change: p.Gly1271Ala; replaces glycine 1271 with alanine.
Molecular consequence: missense variant.
Genome position (GRCh38, 1-based): chr16:15,726,894, C>G on the plus strand (G>C on the coding strand, the complement: MYH11 is on the minus strand). VCF-style: chr16-15726894-C-G. GRCh37 (hg19) VCF-style: chr16-15820751-C-G.
Other names: c.3833G>C, p.Gly1278Ala (NM_001040113.2, NM_001040114.2); c.3812G>C, p.Gly1271Ala (NM_022844.3); c.3812G>C (NM_002474.2); short protein forms G1278A, G1271A.
Identifiers: ClinVar variation 2716807 (VCV002716807.4), dbSNP rs568726096, ClinGen allele CA7921885.